The following is an entry in ClinVar:

ClinVar aggregate classification (germline): Uncertain significance. Review status: criteria provided, multiple submitters, no conflicts (2 of 4 stars). 2 submissions from 2 submitters: Uncertain significance (2). Last evaluated 2023-12-29.

Conditions:
Saldino-Mainzer syndrome (SRTD9). Also called: CONORENAL SYNDROME; SHORT-RIB THORACIC DYSPLASIA 9 WITHOUT POLYDACTYLY; short-rib thoracic dysplasia 9 with or without polydactyly; Renal dysplasia, retinal pigmentary dystrophy, cerebellar ataxia and skeletal dysplasia. Identifiers: Orphanet 140969, MedGen C1849437, MONDO:0009964, OMIM 266920.
Retinitis pigmentosa 80 (RP80). Identifiers: MedGen C4540439, MONDO:0054708, OMIM 617781.

Allele frequency attached by ClinVar (database versions not stated): ExAC 0.00001; gnomAD exomes 0.00001 and 0.00002; gnomAD 0.00002 and 0.00003; TOPMed 0.00002; 1000 Genomes Project 30x 0.00016; 1000 Genomes Project 0.00020.
gnomAD v4.1: 30 of 1,613,220 alleles (0.0019%); highest among the groups gnomAD compares: African/African-American, 0.0093%; no homozygotes.

Submissions (2):

Fulgent Genetics
Classification: Uncertain significance for Saldino-Mainzer syndrome; Retinitis pigmentosa 80. Last evaluated: 2023-12-29. Review status: criteria provided, single submitter. Criteria: ACMG Guidelines, 2015. Collection method: clinical testing. Allele origin: germline.

Labcorp Genetics (formerly Invitae), Labcorp
Classification: Uncertain significance for Saldino-Mainzer syndrome. Last evaluated: 2022-08-23. Review status: criteria provided, single submitter. Criteria: Invitae Variant Classification Sherloc (09022015). Collection method: clinical testing. Allele origin: germline.
Comment: This variant is present in population databases (rs557586568, gnomAD 0.008%). In summary, the available evidence is currently insufficient to determine the role of this variant in disease. Therefore, it has been classified as a Variant of Uncertain Significance. Algorithms developed to predict the effect of missense changes on protein structure and function output the following: SIFT: "Tolerated"; PolyPhen-2: "Benign"; Align-GVGD: "Class C0". The methionine amino acid residue is found in multiple mammalian species, which suggests that this missense change does not adversely affect protein function. ClinVar contains an entry for this variant (Variation ID: 953698). This variant has not been reported in the literature in individuals affected with IFT140-related conditions. This sequence change replaces threonine, which is neutral and polar, with methionine, which is neutral and non-polar, at codon 1348 of the IFT140 protein (p.Thr1348Met).

NM_014714.4(IFT140):c.4043C>T (p.Thr1348Met)

Gene: IFT140 (intraflagellar transport 140; minus strand). Cytogenetic location: 16p13.3.
Variant type: single nucleotide variant.
Coding change: c.4043C>T on transcript NM_014714.4 (MANE Select); coding-DNA position 4043, C replaced by T.
Protein change: p.Thr1348Met; replaces threonine 1348 with methionine.
Molecular consequence: missense variant.
Genome position (GRCh38, 1-based): chr16:1,518,355, G>A on the plus strand (C>T on the coding strand, the complement: IFT140 is on the minus strand). VCF-style: chr16-1518355-G-A. GRCh37 (hg19) VCF-style: chr16-1568356-G-A.
Other names: short protein forms T1348M.
Identifiers: ClinVar variation 953698 (VCV000953698.10), dbSNP rs557586568, ClinGen allele CA7812915.